The following is an entry in ClinVar:

ClinVar aggregate classification (germline): Uncertain significance (1 of 4 stars; one submission).

Conditions:
Epilepsy, familial focal, with variable foci 3 (FFEVF3). Identifiers: MedGen C4310708, MONDO:0014925, OMIM 617118.

Submission:

Labcorp Genetics (formerly Invitae), Labcorp
Classification: Uncertain significance for Epilepsy, familial focal, with variable foci 3. Last evaluated: 2021-06-30. Review status: criteria provided, single submitter. Criteria: Invitae Variant Classification Sherloc (09022015). Collection method: clinical testing. Allele origin: germline.
Comment: This sequence change falls in intron 7 of the NPRL3 gene. It does not directly change the encoded amino acid sequence of the NPRL3 protein. It affects a nucleotide within the consensus splice site of the intron. This variant is not present in population databases (ExAC no frequency). This variant has not been reported in the literature in individuals with NPRL3-related conditions. Nucleotide substitutions within the consensus splice site are a relatively common cause of aberrant splicing (PMID: 17576681, 9536098). Experimental studies and prediction algorithms are not available or were not evaluated, and the effect of this variant on mRNA splicing is currently unknown. In summary, the available evidence is currently insufficient to determine the role of this variant in disease. Therefore, it has been classified as a Variant of Uncertain Significance.

Literature cited by the submitters: PubMed 17576681; PubMed 9536098.

NM_001077350.3(NPRL3):c.629+5G>A

Genes: HBA-LCR (alpha-globin locus control region; plus strand), NPRL3 (NPR3 like, GATOR1 complex subunit; minus strand). Cytogenetic location: 16p13.3.
Variant type: single nucleotide variant.
Coding change: c.629+5G>A on transcript NM_001077350.3 (MANE Select); 5 bases into the intron after coding-DNA position 629, G replaced by A.
Molecular consequence: intron variant.
Genome position (GRCh38, 1-based): chr16:110,520, C>T on the plus strand (G>A on the coding strand, the complement: NPRL3 is on the minus strand). VCF-style: chr16-110520-C-T. GRCh37 (hg19) VCF-style: chr16-160518-C-T.
Other names: c.395+5G>A (NM_001243247.2); c.554+5G>A (NM_001243248.2, NM_001243249.2); c.92+5G>A (NM_001039476.3).
Identifiers: ClinVar variation 1471828 (VCV001471828.6), dbSNP rs2141946040, ClinGen allele CA2573151690.